The following is an entry in ClinVar:

ClinVar aggregate classification (germline): Uncertain significance (1 of 4 stars; one submission).

Submission:

Labcorp Genetics (formerly Invitae), Labcorp
Classification: Uncertain significance. Last evaluated: 2022-04-07. Review status: criteria provided, single submitter. Criteria: Invitae Variant Classification Sherloc (09022015). Collection method: clinical testing. Allele origin: germline.
Comment: This sequence change replaces glutamic acid, which is acidic and polar, with lysine, which is basic and polar, at codon 387 of the ABHD12 protein (p.Glu387Lys). In summary, the available evidence is currently insufficient to determine the role of this variant in disease. Therefore, it has been classified as a Variant of Uncertain Significance. Algorithms developed to predict the effect of missense changes on protein structure and function (SIFT, PolyPhen-2, Align-GVGD) all suggest that this variant is likely to be tolerated. This variant has not been reported in the literature in individuals affected with ABHD12-related conditions. This variant is not present in population databases (gnomAD no frequency).

NM_001042472.3(ABHD12):c.1159G>A (p.Glu387Lys)

Gene: ABHD12 (abhydrolase domain containing 12, lysophospholipase; minus strand). Cytogenetic location: 20p11.21.
Variant type: single nucleotide variant.
Coding change: c.1159G>A on transcript NM_001042472.3 (MANE Select); coding-DNA position 1159, G replaced by A.
Protein change: p.Glu387Lys; replaces glutamic acid 387 with lysine.
Molecular consequence: missense variant. On other transcripts: intron variant (1).
Genome position (GRCh38, 1-based): chr20:25,300,883, C>T on the plus strand (G>A on the coding strand, the complement: ABHD12 is on the minus strand). VCF-style: chr20-25300883-C-T. GRCh37 (hg19) VCF-style: chr20-25281519-C-T.
Other names: c.1157+1336G>A (NM_015600.5); short protein forms E387K.
Identifiers: ClinVar variation 2075945 (VCV002075945.4), dbSNP rs1232243113, ClinGen allele CA408453803.